The following is an entry in ClinVar:

ClinVar aggregate classification (germline): Benign. Review status: criteria provided, multiple submitters, no conflicts (2 of 4 stars). 11 submissions from 10 submitters: Benign (9). 2 of the submissions do not count toward it. Last evaluated 2026-02-03.

Conditions:
Early-onset progressive neurodegeneration-blindness-ataxia-spasticity syndrome. Also called: SPASTIC PARAPLEGIA 79B, AUTOSOMAL RECESSIVE; Spastic paraplegia 79, autosomal recessive. Identifiers: Orphanet 352654, MedGen C3809665, MONDO:0014209, OMIM 615491.
Parkinson disease 5, autosomal dominant, susceptibility to (PARK5). Also called: Parkinson disease 5, susceptibility to. Identifiers: Orphanet 2828, MedGen C3150899, MONDO:0013340, OMIM 613643.

Allele frequency attached by ClinVar (database versions not stated): gnomAD 0.15471 and 0.16658; TOPMed 0.17107; gnomAD exomes 0.19447 and 0.24213; 1000 Genomes Project 30x 0.24375; 1000 Genomes Project 0.25399; ExAC 0.35021.
gnomAD v4.1: 297,847 of 1,550,242 alleles (19%); highest among the groups gnomAD compares: East Asian, 52%; 33,472 homozygotes.

Submissions (11):

Labcorp Genetics (formerly Invitae), Labcorp
Classification: Benign. Last evaluated: 2026-02-03. Review status: criteria provided, single submitter. Criteria: Invitae Variant Classification Sherloc (09022015). Collection method: clinical testing. Allele origin: germline.

Blueprint Genetics
Classification: Benign. Last evaluated: 2024-11-26. Review status: criteria provided, single submitter. Criteria: ACMG Guidelines, 2015. Collection method: clinical testing. Allele origin: germline.

Mayo Clinic Laboratories, Mayo Clinic
Classification: Benign. Last evaluated: 2023-01-25. Review status: criteria provided, single submitter. Criteria: ACMG Guidelines, 2015. Collection method: clinical testing. Allele origin: germline. Observed: 221 variant alleles.
Comment: BA1, BP4

Genome-Nilou Lab
Classification: Benign for Early-onset progressive neurodegeneration-blindness-ataxia-spasticity syndrome. Last evaluated: 2021-12-05. Review status: criteria provided, single submitter. Criteria: ACMG Guidelines, 2015. Collection method: clinical testing. Allele origin: germline. Affected: no.

Genome-Nilou Lab
Classification: Benign for Parkinson disease 5, autosomal dominant, susceptibility to. Last evaluated: 2021-12-05. Review status: criteria provided, single submitter. Criteria: ACMG Guidelines, 2015. Collection method: clinical testing. Allele origin: germline. Affected: no.

GeneDx
Classification: Benign. Last evaluated: 2021-04-20. Review status: criteria provided, single submitter. Criteria: GeneDx Variant Classification Process June 2021. Collection method: clinical testing. Allele origin: germline. Affected: yes.
Comment: This variant is associated with the following publications: (PMID: 12705903, 21700325, 19864305, 19683447, 21251915, 21298373, 18411255, 22076440, 21268678, 17287139, 25370916, 10563640, 33028204, 12408865)

Illumina Laboratory Services, Illumina
Classification: Benign for Parkinson disease 5, autosomal dominant, susceptibility to. Last evaluated: 2017-04-27. Review status: criteria provided, single submitter. Criteria: ICSL Variant Classification Criteria 13 December 2019. Collection method: clinical testing. Allele origin: germline.
Comment: This variant was observed as part of a predisposition screen in an ostensibly healthy population. A literature search was performed for the gene, cDNA change, and amino acid change (where applicable). Publications were found based on this search. The evidence from the literature, in combination with allele frequency data from public databases where available, was sufficient to rule this variant out of causing disease. Therefore, this variant is classified as benign.

Clinical Genetics DNA and cytogenetics Diagnostics Lab, Erasmus MC, Erasmus Medical Center
Classification: Benign for Parkinson disease 5, autosomal dominant, susceptibility to. Last evaluated: 2015-09-21. Review status: criteria provided, single submitter. Criteria: ACGS Guidelines, 2013. Collection method: clinical testing. Allele origin: germline. Affected: yes. Study: VKGL Data-share Consensus.

Breakthrough Genomics
Classification: Benign. Review status: criteria provided, single submitter. Criteria: ACMG Guidelines, 2015. Collection method: not provided. Allele origin: germline. Inheritance: Autosomal recessive inheritance. Affected: yes.

Genome Diagnostics Laboratory, Amsterdam University Medical Center
Classification: Benign for Parkinson disease 5, autosomal dominant, susceptibility to. Last evaluated: 2015-02-07. Review status: no assertion criteria provided. Criteria: ACGS Guidelines, 2013. Collection method: clinical testing. Allele origin: germline. Affected: yes. Study: VKGL Data-share Consensus. Not counted in ClinVar's aggregate classification.

OMIM
Classification: Uncertain significance for RECLASSIFIED - VARIANT OF UNKNOWN SIGNIFICANCE. Last evaluated: 2011-06-01. Review status: no assertion criteria provided. Collection method: literature only. Allele origin: germline. Not counted in ClinVar's aggregate classification.

Literature cited by the submitters: PubMed 10563640 (cited by Mayo Clinic Laboratories, Mayo Clinic and Illumina Laboratory Services, Illumina); PubMed 17287139 (cited by Mayo Clinic Laboratories, Mayo Clinic); PubMed 19683447 (cited by Mayo Clinic Laboratories, Mayo Clinic); PubMed 21251915 (cited by Mayo Clinic Laboratories, Mayo Clinic); PubMed 22839974 (cited by Illumina Laboratory Services, Illumina); PubMed 19864305 (cited by Illumina Laboratory Services, Illumina); PubMed 10203348 (cited by OMIM); PubMed 12408865 (cited by OMIM); PubMed 15048890 (cited by OMIM); PubMed 16450370 (cited by OMIM); PubMed 18411255 (cited by OMIM); PubMed 21268678 (cited by OMIM).

NM_004181.5(UCHL1):c.53C>A (p.Ser18Tyr)

Gene: UCHL1 (ubiquitin C-terminal hydrolase L1; plus strand). Cytogenetic location: 4p13.
Variant type: single nucleotide variant.
Coding change: c.53C>A on transcript NM_004181.5 (MANE Select); coding-DNA position 53, C replaced by A.
Protein change: p.Ser18Tyr; replaces serine 18 with tyrosine.
Molecular consequence: missense variant.
Genome position (GRCh38, 1-based): chr4:41,257,616, C>A. VCF-style: chr4-41257616-C-A. GRCh37 (hg19) VCF-style: chr4-41259633-C-A.
Other names: short protein forms S18Y.
Identifiers: ClinVar variation 12298 (VCV000012298.19), dbSNP rs5030732, ClinGen allele CA256260.